The following is an entry in ClinVar:

NM_014000.3(VCL):c.121A>G (p.Thr41Ala)

Genes: VCL (vinculin; plus strand), LOC130004109 (ATAC-STARR-seq lymphoblastoid active region 3587; plus strand). Cytogenetic location: 10q22.2.
Variant type: single nucleotide variant.
Coding change: c.121A>G on transcript NM_014000.3 (MANE Select); coding-DNA position 121, A replaced by G.
Protein change: p.Thr41Ala; replaces threonine 41 with alanine.
Molecular consequence: missense variant.
Genome position (GRCh38, 1-based): chr10:73,998,328, A>G. VCF-style: chr10-73998328-A-G. GRCh37 (hg19) VCF-style: chr10-75758086-A-G.
Other names: c.121A>G, p.Thr41Ala (NM_003373.4); short protein forms T41A.
Identifiers: ClinVar variation 5031682 (VCV005031682.1).

ClinVar aggregate classification (germline): Uncertain significance (1 of 4 stars; one submission).

Conditions:
Cardiovascular phenotype. Identifiers: MedGen CN230736.

gnomAD v4.1: 1 of 1,566,092 alleles (0.000064%); highest among the groups gnomAD compares: African/African-American, 0.0014%; no homozygotes.

Submission:

Ambry Genetics
Classification: Uncertain significance for Cardiovascular phenotype. Last evaluated: 2026-07-31. Review status: criteria provided, single submitter. Criteria: Ambry Variant Classification Scheme 2023. Collection method: clinical testing. Allele origin: germline.
Comment: The p.T41A variant (also known as c.121A>G), located in coding exon 1 of the VCL gene, results from an A to G substitution at nucleotide position 121. The threonine at codon 41 is replaced by alanine, an amino acid with similar properties. This amino acid position is conserved. In addition, this alteration is predicted to be tolerated by in silico analysis. Based on the available evidence, the clinical significance of this variant remains unclear.